The following is an entry in ClinVar:

ClinVar aggregate classification (germline): Uncertain significance (1 of 4 stars; one submission).

gnomAD v4.1: 1 of 1,611,592 alleles (0.000062%); highest among the groups gnomAD compares: South Asian, 0.0011%; no homozygotes.

Submission:

Ambry Genetics
Classification: Uncertain significance. Last evaluated: 2025-07-19. Review status: criteria provided, single submitter. Criteria: Ambry Variant Classification Scheme 2023. Collection method: clinical testing. Allele origin: germline.
Comment: The p.P107L variant (also known as c.320C>T), located in coding exon 3 of the GFI1 gene, results from a C to T substitution at nucleotide position 320. The proline at codon 107 is replaced by leucine, an amino acid with similar properties. This amino acid position is conserved. In addition, this alteration is predicted to be tolerated by in silico analysis. Based on the available evidence, the clinical significance of this variant remains unclear.

NM_005263.5(GFI1):c.320C>T (p.Pro107Leu)

Gene: GFI1 (growth factor independent 1 transcriptional repressor; minus strand). Cytogenetic location: 1p22.1.
Variant type: single nucleotide variant.
Coding change: c.320C>T on transcript NM_005263.5 (MANE Select); coding-DNA position 320, C replaced by T.
Protein change: p.Pro107Leu; replaces proline 107 with leucine.
Molecular consequence: missense variant.
Genome position (GRCh38, 1-based): chr1:92,481,067, G>A on the plus strand (C>T on the coding strand, the complement: GFI1 is on the minus strand). VCF-style: chr1-92481067-G-A. GRCh37 (hg19) VCF-style: chr1-92946624-G-A.
Other names: c.320C>T, p.Pro107Leu (NM_001127215.3, NM_001127216.3); short protein forms P107L.
Identifiers: ClinVar variation 4263209 (VCV004263209.1).